The following is an entry in ClinVar:

ClinVar aggregate classification (germline): Uncertain significance (1 of 4 stars; one submission).

Conditions:
Autosomal dominant nonsyndromic hearing loss 20. Identifiers: Orphanet 90635, MedGen C1858172, MONDO:0011480, OMIM 604717.
Baraitser-winter syndrome 2. Identifiers: Orphanet 2995, MedGen C3281235, MONDO:0013812, OMIM 614583.

Submission:

Labcorp Genetics (formerly Invitae), Labcorp
Classification: Uncertain significance for Baraitser-winter syndrome 2; Autosomal dominant nonsyndromic hearing loss 20. Last evaluated: 2023-08-21. Review status: criteria provided, single submitter. Criteria: Invitae Variant Classification Sherloc (09022015). Collection method: clinical testing. Allele origin: germline.
Comment: In summary, the available evidence is currently insufficient to determine the role of this variant in disease. Therefore, it has been classified as a Variant of Uncertain Significance. This variant disrupts the p.Met153 amino acid residue in ACTG1. Other variant(s) that disrupt this residue have been determined to be pathogenic (Invitae). This suggests that this residue is clinically significant, and that variants that disrupt this residue are likely to be disease-causing. Advanced modeling of protein sequence and biophysical properties (such as structural, functional, and spatial information, amino acid conservation, physicochemical variation, residue mobility, and thermodynamic stability) has been performed at Invitae for this missense variant, however the output from this modeling did not meet the statistical confidence thresholds required to predict the impact of this variant on ACTG1 protein function. This variant has not been reported in the literature in individuals affected with ACTG1-related conditions. This variant is not present in population databases (gnomAD no frequency). This sequence change replaces methionine, which is neutral and non-polar, with threonine, which is neutral and polar, at codon 153 of the ACTG1 protein (p.Met153Thr).

NM_001614.5(ACTG1):c.458T>C (p.Met153Thr)

Gene: ACTG1 (actin gamma 1; minus strand). Cytogenetic location: 17q25.3.
Variant type: single nucleotide variant.
Coding change: c.458T>C on transcript NM_001614.5 (MANE Select); coding-DNA position 458, T replaced by C.
Protein change: p.Met153Thr; replaces methionine 153 with threonine.
Molecular consequence: missense variant. On other transcripts: non-coding transcript variant (1).
Genome position (GRCh38, 1-based): chr17:81,511,532, A>G on the plus strand (T>C on the coding strand, the complement: ACTG1 is on the minus strand). VCF-style: chr17-81511532-A-G. GRCh37 (hg19) VCF-style: chr17-79478558-A-G.
Other names: c.458T>C, p.Met153Thr (NM_001199954.3); short protein forms M153T.
Identifiers: ClinVar variation 2936879 (VCV002936879.3), dbSNP rs140176659, ClinGen allele CA401461111.